The following is an entry in ClinVar:

NM_000038.6(APC):c.4144C>T (p.Leu1382Phe)

Gene: APC (APC regulator of Wnt signaling pathway; plus strand). Cytogenetic location: 5q22.2.
Variant type: single nucleotide variant.
Coding change: c.4144C>T on transcript NM_000038.6 (MANE Select); coding-DNA position 4144, C replaced by T.
Protein change: p.Leu1382Phe; replaces leucine 1382 with phenylalanine.
Molecular consequence: missense variant.
Genome position (GRCh38, 1-based): chr5:112,839,738, C>T. VCF-style: chr5-112839738-C-T. GRCh37 (hg19) VCF-style: chr5-112175435-C-T.
Other names: c.4144C>T, p.Leu1382Phe (NM_001127510.3, NM_001354895.2); c.4090C>T, p.Leu1364Phe (NM_001127511.3); c.4198C>T, p.Leu1400Phe (NM_001354896.2); c.4174C>T, p.Leu1392Phe (NM_001354897.2); c.4069C>T, p.Leu1357Phe (NM_001354898.2); c.4060C>T, p.Leu1354Phe (NM_001354899.2); c.4021C>T, p.Leu1341Phe (NM_001354900.2); c.3967C>T, p.Leu1323Phe (NM_001354901.2); and 5 more; short protein forms L1099F, L1222F, L1256F, L1281F, L1291F, L1323F, L1341F, L1354F.
Identifiers: ClinVar variation 1025292 (VCV001025292.10), dbSNP rs1420195332, ClinGen allele CA16030408.

ClinVar aggregate classification (germline): Uncertain significance (1 of 4 stars; one submission).

Conditions:
Familial adenomatous polyposis 1 (FAP1). Also called: FAMILIAL ADENOMATOUS POLYPOSIS 1, ATTENUATED; POLYPOSIS, ADENOMATOUS INTESTINAL. Identifiers: MedGen C2713442, MONDO:0021056, OMIM 175100. Disease mechanism: loss of function.

Allele frequency attached by ClinVar (database versions not stated): TOPMed below 0.00001.

Submission:

Labcorp Genetics (formerly Invitae), Labcorp
Classification: Uncertain significance for Familial adenomatous polyposis 1. Last evaluated: 2020-07-27. Review status: criteria provided, single submitter. Criteria: Invitae Variant Classification Sherloc (09022015). Collection method: clinical testing. Allele origin: germline.
Comment: In summary, the available evidence is currently insufficient to determine the role of this variant in disease. Therefore, it has been classified as a Variant of Uncertain Significance. Algorithms developed to predict the effect of missense changes on protein structure and function are either unavailable or do not agree on the potential impact of this missense change (SIFT: "Deleterious"; PolyPhen-2: "Probably Damaging"; Align-GVGD: "Class C15"). This variant has been observed in individual(s) with clinical features of familial adenomatous polyposis (PMID: 19029688). This variant is not present in population databases (ExAC no frequency). This sequence change replaces leucine with phenylalanine at codon 1382 of the APC protein (p.Leu1382Phe). The leucine residue is highly conserved and there is a small physicochemical difference between leucine and phenylalanine.

Literature cited by the submitters: PubMed 19029688.